The following is an entry in ClinVar:

ClinVar aggregate classification (germline): Likely benign. Review status: criteria provided, multiple submitters, no conflicts (2 of 4 stars). 3 submissions from 3 submitters: Likely benign (3). Last evaluated 2018-07-09.

Conditions:
Mitochondrial complex I deficiency, nuclear type 1. Also called: NADH-COENZYME Q REDUCTASE DEFICIENCY; MITOCHONDRIAL NADH DEHYDROGENASE COMPONENT OF COMPLEX I, DEFICIENCY OF. Identifiers: MedGen C6022305, MONDO:0100224, OMIM 252010.

Allele frequency attached by ClinVar (database versions not stated): gnomAD exomes 0.00322; ExAC 0.00409; 1000 Genomes Project 0.01098; 1000 Genomes Project 30x 0.01140; gnomAD 0.01309 and 0.01425; ESP Exome Variant Server 0.01359; TOPMed 0.01456.
gnomAD v4.1: 4,050 of 1,593,860 alleles (0.25%); highest among the groups gnomAD compares: African/African-American, 4.7%; 90 homozygotes.

Submissions (3):

GeneDx
Classification: Likely benign. Last evaluated: 2018-07-09. Review status: criteria provided, single submitter. Criteria: GeneDx Variant Classification Process June 2021. Collection method: clinical testing. Allele origin: germline. Affected: yes.

Illumina Laboratory Services, Illumina
Classification: Likely benign for Mitochondrial complex I deficiency, nuclear type 1. Last evaluated: 2018-01-13. Review status: criteria provided, single submitter. Criteria: ICSL Variant Classification Criteria 13 December 2019. Collection method: clinical testing. Allele origin: germline.
Comment: This variant was observed in the ICSL laboratory as part of a predisposition screen in an ostensibly healthy population. It had not been previously curated by ICSL or reported in the Human Gene Mutation Database (HGMD: prior to June 1st, 2018), and was therefore a candidate for classification through an automated scoring system. Utilizing variant allele frequency, disease prevalence and penetrance estimates, and inheritance mode, an automated score was calculated to assess if this variant is too frequent to cause the disease. Based on the score and internal cut-off values, a variant classified as likely benign is not then subjected to further curation. The score for this variant resulted in a classification of likely benign for this disease.

Breakthrough Genomics
Classification: Likely benign. Review status: criteria provided, single submitter. Criteria: ACMG Guidelines, 2015. Collection method: not provided. Allele origin: germline. Inheritance: Autosomal recessive inheritance. Affected: yes.

NM_025152.3(NUBPL):c.*26C>G

Gene: NUBPL (NUBP iron-sulfur cluster assembly factor, mitochondrial; plus strand). Cytogenetic location: 14q12.
Variant type: single nucleotide variant.
Coding change: c.*26C>G on transcript NM_025152.3 (MANE Select); 26 bases downstream of the stop codon, C replaced by G.
Molecular consequence: 3 prime UTR variant. On other transcripts: non-coding transcript variant (1).
Genome position (GRCh38, 1-based): chr14:31,859,206, C>G. VCF-style: chr14-31859206-C-G. GRCh37 (hg19) VCF-style: chr14-32328412-C-G.
Other names: c.*26C>G (NM_001201573.2, NM_001201574.2).
Identifiers: ClinVar variation 883616 (VCV000883616.8), dbSNP rs76130953, ClinGen allele CA7148037.
Genomic context (GRCh38, chr14:31,859,206, plus strand): 5'-AAGTGGTAAGAAGATTGCCATCACCTTCAGAATGATTCCCCAAGTGTCCTGGAAATTTGC[C>G]TGGTACTGACATTAAGAGGACCTTTGGAAATCAGCAATGTGGTGATGGAACCTACAGAAA-3'